The following is an entry in ClinVar:

NM_001267550.2(TTN):c.59662G>A (p.Glu19888Lys)

Genes: TTN (titin; minus strand), TTN-AS1 (TTN antisense RNA 1; plus strand), LOC126806424 (CDK7 strongly-dependent group 2 enhancer GRCh37_chr2:179456337-179457536; plus strand). Cytogenetic location: 2q31.2.
Variant type: single nucleotide variant.
Coding change: c.59662G>A on transcript NM_001267550.2 (MANE Select); coding-DNA position 59662, G replaced by A.
Protein change: p.Glu19888Lys; replaces glutamic acid 19888 with lysine.
Molecular consequence: missense variant.
Genome position (GRCh38, 1-based): chr2:178,592,242, C>T on the plus strand (G>A on the coding strand, the complement: TTN is on the minus strand). VCF-style: chr2-178592242-C-T. GRCh37 (hg19) VCF-style: chr2-179456969-C-T.
Other names: c.54739G>A, p.Glu18247Lys (NM_001256850.1); c.32467G>A, p.Glu10823Lys (NM_003319.4); c.51958G>A, p.Glu17320Lys (NM_133378.4); c.32842G>A, p.Glu10948Lys (NM_133432.3); c.33043G>A, p.Glu11015Lys (NM_133437.4); short protein forms E17320K, E10948K, E11015K, E18247K, E19888K, E10823K.
Identifiers: ClinVar variation 1729337 (VCV001729337.2), dbSNP rs369279578, ClinGen allele CA1992620.

ClinVar aggregate classification (germline): Uncertain significance (1 of 4 stars; one submission).

Conditions:
Cardiovascular phenotype. Identifiers: MedGen CN230736.

Allele frequency attached by ClinVar (database versions not stated): gnomAD exomes 0.00001; ExAC 0.00002; ESP Exome Variant Server 0.00008.
gnomAD v4.1: 10 of 1,611,582 alleles (0.00062%); highest among the groups gnomAD compares: South Asian, 0.0011%; no homozygotes.

Submission:

Ambry Genetics
Classification: Uncertain significance for Cardiovascular phenotype. Last evaluated: 2019-11-21. Review status: criteria provided, single submitter. Criteria: Ambry Variant Classification Scheme 2023. Collection method: clinical testing. Allele origin: germline.
Comment: The p.E10823K variant (also known as c.32467G>A), located in coding exon 129 of the TTN gene, results from a G to A substitution at nucleotide position 32467. The glutamic acid at codon 10823 is replaced by lysine, an amino acid with similar properties. This amino acid position is not well conserved in available vertebrate species. In addition, this alteration is predicted to be tolerated by in silico analysis. Since supporting evidence is limited at this time, the clinical significance of this alteration remains unclear.